The following is an entry in ClinVar:

ClinVar aggregate classification (germline): Likely benign (1 of 4 stars; one submission).

Conditions:
CREBBP-related disorder. Also called: CREBBP-related condition; CREBBP-related disorders.

gnomAD v4.1: 2 of 1,598,666 alleles (0.00013%); highest among the groups gnomAD compares: Non-Finnish European, 0.00017%; no homozygotes.

Submission:

PreventionGenetics, part of Exact Sciences
Classification: Likely benign for CREBBP-related condition. Last evaluated: 2025-04-21. Review status: criteria provided, single submitter. Criteria: ACMG Guidelines, 2015. Collection method: clinical testing. Allele origin: germline.
Comment: This variant is classified as likely benign based on ACMG/AMP sequence variant interpretation guidelines (Richards et al. 2015 PMID: 25741868, with internal and published modifications).

NM_004380.3(CREBBP):c.85+9G>A

Gene: CREBBP (CREB binding lysine acetyltransferase; minus strand). Cytogenetic location: 16p13.3.
Variant type: single nucleotide variant.
Coding change: c.85+9G>A on transcript NM_004380.3 (MANE Select); 9 bases into the intron after coding-DNA position 85, G replaced by A.
Molecular consequence: intron variant.
Genome position (GRCh38, 1-based): chr16:3,879,823, C>T on the plus strand (G>A on the coding strand, the complement: CREBBP is on the minus strand). VCF-style: chr16-3879823-C-T. GRCh37 (hg19) VCF-style: chr16-3929824-C-T.
Other names: c.85+9G>A (NM_001079846.1).
Identifiers: ClinVar variation 4997903 (VCV004997903.1).